The following is an entry in ClinVar:

NM_178452.6(DNAAF1):c.935G>C (p.Arg312Thr)

Gene: DNAAF1 (dynein axonemal assembly factor 1; plus strand). Cytogenetic location: 16q24.1.
Variant type: single nucleotide variant.
Coding change: c.935G>C on transcript NM_178452.6 (MANE Select); coding-DNA position 935, G replaced by C.
Protein change: p.Arg312Thr; replaces arginine 312 with threonine.
Molecular consequence: missense variant.
Genome position (GRCh38, 1-based): chr16:84,165,854, G>C. VCF-style: chr16-84165854-G-C. GRCh37 (hg19) VCF-style: chr16-84199460-G-C.
Other names: c.179G>C, p.Arg60Thr (NM_001318756.1); short protein forms R312T, R60T.
Identifiers: ClinVar variation 1766679 (VCV001766679.2), dbSNP rs2087949170, ClinGen allele CA396946451.

ClinVar aggregate classification (germline): Uncertain significance (1 of 4 stars; one submission).

Conditions:
Primary ciliary dyskinesia. Also called: Ciliary dyskinesia. Identifiers: Orphanet 244, MedGen C0008780, MONDO:0016575, HP:0012265.

Submission:

Ambry Genetics
Classification: Uncertain significance for Primary ciliary dyskinesia. Last evaluated: 2022-07-10. Review status: criteria provided, single submitter. Criteria: Ambry Variant Classification Scheme 2023. Collection method: clinical testing. Allele origin: germline.
Comment: The p.R312T variant (also known as c.935G>C), located in coding exon 7 of the DNAAF1 gene, results from a G to C substitution at nucleotide position 935. The arginine at codon 312 is replaced by threonine, an amino acid with similar properties. This amino acid position is conserved. In addition, this alteration is predicted to be tolerated by in silico analysis. Since supporting evidence is limited at this time, the clinical significance of this alteration remains unclear.